The following is an entry in ClinVar:

NM_001039141.3(TRIOBP):c.6324+177G>A

Gene: TRIOBP (TRIO and F-actin binding protein; plus strand). Cytogenetic location: 22q13.1.
Variant type: single nucleotide variant.
Coding change: c.6324+177G>A on transcript NM_001039141.3 (MANE Select); 177 bases into the intron after coding-DNA position 6324, G replaced by A.
Molecular consequence: intron variant. On other transcripts: missense variant (1).
Genome position (GRCh38, 1-based): chr22:37,759,441, G>A. VCF-style: chr22-37759441-G-A. GRCh37 (hg19) VCF-style: chr22-38155448-G-A.
Other names: c.1210G>A, p.Val404Ile (NM_138632.2); c.1185+177G>A (NM_007032.5); short protein forms V404I.
Identifiers: ClinVar variation 666769 (VCV000666769.4), dbSNP rs150061404, ClinGen allele CA10224971.

ClinVar aggregate classification (germline): Likely benign (1 of 4 stars; one submission).

Allele frequency attached by ClinVar (database versions not stated): gnomAD exomes 0.00004; ExAC 0.00006; gnomAD 0.00008 and 0.00009; TOPMed 0.00008; ESP Exome Variant Server 0.00031.
gnomAD v4.1: 36 of 1,434,822 alleles (0.0025%); highest among the groups gnomAD compares: African/African-American, 0.02%; no homozygotes.

Submission:

Laboratory for Molecular Medicine, Mass General Brigham Personalized Medicine
Classification: Likely benign. Last evaluated: 2018-08-24. Review status: criteria provided, single submitter. Criteria: LMM Criteria. Collection method: clinical testing. Allele origin: germline. Observed: 1 variant allele.
Comment: The p.Val404Ile variant in TRIOBP is classified as likely benign due to a lack o f conservation across species. Several species including mammals have Isoleucine (Ile) at this position. It has been identified in 7/24032 African chromosomes b y the Genome Aggregation Database (gnomAD). AC MG/AMP Criteria applied: BP4_Strong, PM2_Supporting.